The following is an entry in ClinVar:

ClinVar aggregate classification (germline): Uncertain significance. Review status: criteria provided, multiple submitters, no conflicts (2 of 4 stars). 3 submissions from 3 submitters: Uncertain significance (3). Last evaluated 2026-01-26.

Conditions:
Inborn genetic diseases. Identifiers: MedGen C0950123, MeSH D030342.

Allele frequency attached by ClinVar (database versions not stated): TOPMed 0.00004.
gnomAD v4.1: 34 of 1,549,242 alleles (0.0022%); highest among the groups gnomAD compares: African/African-American, 0.011%; no homozygotes.

Submissions (3):

Women's Health and Genetics/Laboratory Corporation of America, LabCorp
Classification: Uncertain significance. Last evaluated: 2026-01-26. Review status: criteria provided, single submitter. Criteria: LabCorp Variant Classification Summary - May 2015. Collection method: clinical testing. Allele origin: germline.
Comment: Variant summary: CRB2 c.3380C>T (p.Pro1127Leu) results in a non-conservative amino acid change in the encoded protein sequence. Algorithms developed to predict the effect of missense changes on protein structure and function are either unavailable or do not agree on the potential impact of this missense change. The variant allele was found at a frequency of 4.1e-05 in 145174 control chromosomes. The available data on variant occurrences in the general population are insufficient to allow any conclusion about variant significance. To our knowledge, no occurrence of c.3380C>T in individuals affected with CRB2-related conditions and no experimental evidence demonstrating its impact on protein function have been reported. ClinVar contains an entry for this variant (Variation ID: 1001531). Based on the evidence outlined above, the variant was classified as uncertain significance.

Ambry Genetics
Classification: Uncertain significance for Inborn genetic diseases. Last evaluated: 2025-09-01. Review status: criteria provided, single submitter. Criteria: Ambry Variant Classification Scheme 2023. Collection method: clinical testing. Allele origin: germline.

Labcorp Genetics (formerly Invitae), Labcorp
Classification: Uncertain significance. Last evaluated: 2020-03-12. Review status: criteria provided, single submitter. Criteria: Invitae Variant Classification Sherloc (09022015). Collection method: clinical testing. Allele origin: germline.
Comment: In summary, the available evidence is currently insufficient to determine the role of this variant in disease. Therefore, it has been classified as a Variant of Uncertain Significance. Algorithms developed to predict the effect of missense changes on protein structure and function are either unavailable or do not agree on the potential impact of this missense change (SIFT: "Deleterious"; PolyPhen-2: "Benign"; Align-GVGD: "Class C0"). This variant has not been reported in the literature in individuals with CRB2-related conditions. While this variant is present in population databases (rs781770011), the frequency information is unreliable, as metrics indicate poor data quality at this position in the ExAC database. This sequence change replaces proline with leucine at codon 1127 of the CRB2 protein (p.Pro1127Leu). The proline residue is moderately conserved and there is a moderate physicochemical difference between proline and leucine.

NM_173689.7(CRB2):c.3380C>T (p.Pro1127Leu)

Gene: CRB2 (crumbs cell polarity complex component 2; plus strand). Cytogenetic location: 9q33.3.
Variant type: single nucleotide variant.
Coding change: c.3380C>T on transcript NM_173689.7 (MANE Select); coding-DNA position 3380, C replaced by T.
Protein change: p.Pro1127Leu; replaces proline 1127 with leucine.
Molecular consequence: missense variant. On other transcripts: non-coding transcript variant (1).
Genome position (GRCh38, 1-based): chr9:123,373,911, C>T. VCF-style: chr9-123373911-C-T. GRCh37 (hg19) VCF-style: chr9-126136190-C-T.
Other names: c.3380C>T (NM_173689.5); short protein forms P1127L.
Identifiers: ClinVar variation 1001531 (VCV001001531.8), dbSNP rs781770011, ClinGen allele CA5232431.